The following is an entry in ClinVar:

ClinVar aggregate classification (germline): Uncertain significance (1 of 4 stars; one submission).

Submission:

CeGaT Center for Human Genetics Tuebingen
Classification: Uncertain significance. Last evaluated: 2022-12-01. Review status: criteria provided, single submitter. Criteria: CeGaT Center For Human Genetics Tuebingen Variant Classification Criteria Version 2. Collection method: clinical testing. Allele origin: germline. Affected: yes. Observed: 2 variant alleles.
Comment: PNP: PM2, PM3:Supporting, PP4, PS3:Supporting

NM_000270.4(PNP):c.729C>G (p.Asn243Lys)

Gene: PNP (purine nucleoside phosphorylase; plus strand). Cytogenetic location: 14q11.2.
Variant type: single nucleotide variant.
Coding change: c.729C>G on transcript NM_000270.4 (MANE Select); coding-DNA position 729, C replaced by G.
Protein change: p.Asn243Lys; replaces asparagine 243 with lysine.
Molecular consequence: missense variant.
Genome position (GRCh38, 1-based): chr14:20,476,460, C>G. VCF-style: chr14-20476460-C-G. GRCh37 (hg19) VCF-style: chr14-20944619-C-G.
Other names: short protein forms N243K.
Identifiers: ClinVar variation 1879266 (VCV001879266.29), dbSNP rs371184527, ClinGen allele CA389146026.